The following is an entry in ClinVar:

ClinVar aggregate classification (germline): Likely benign. Review status: criteria provided, multiple submitters, no conflicts (2 of 4 stars). 3 submissions from 3 submitters: Likely benign (3). Last evaluated 2026-09-14.

Conditions:
Cardiovascular phenotype. Identifiers: MedGen CN230736.
Duchenne muscular dystrophy (DMD). Also called: MUSCULAR DYSTROPHY, PSEUDOHYPERTROPHIC PROGRESSIVE, DUCHENNE TYPE; Duchenne Muscular Dystrophy (DMD). Identifiers: Orphanet 98896, MedGen C0013264, MONDO:0010679, OMIM 310200.

Allele frequency attached by ClinVar (database versions not stated): gnomAD exomes below 0.00001.
gnomAD v4.1: 1 of 1,210,153 alleles (0.000083%); highest among the groups gnomAD compares: Non-Finnish European, 0.00011%; no homozygotes.

Submissions (3):

Ambry Genetics
Classification: Likely benign for Cardiovascular phenotype. Last evaluated: 2026-09-14. Review status: criteria provided, single submitter. Criteria: Ambry Variant Classification Scheme 2023. Collection method: clinical testing. Allele origin: germline.

Labcorp Genetics (formerly Invitae), Labcorp
Classification: Likely benign for Duchenne muscular dystrophy. Last evaluated: 2023-06-16. Review status: criteria provided, single submitter. Criteria: Invitae Variant Classification Sherloc (09022015). Collection method: clinical testing. Allele origin: germline.

Laboratory for Molecular Medicine, Mass General Brigham Personalized Medicine
Classification: Likely benign. Last evaluated: 2018-07-19. Review status: criteria provided, single submitter. Criteria: LMM Criteria. Collection method: clinical testing. Allele origin: germline. Observed: 1 variant allele.
Comment: The p.Leu2488Leu variant in DMD is classified as likely benign because it does n ot alter an amino acid residue, it is not located within the splice consensus se quence, and splice prediction algorithms do not predict a newly created splice s ite. ACMG/AMP Criteria applied: BP4, BP7.

NM_004006.3(DMD):c.7464G>A (p.Leu2488=)

Gene: DMD (dystrophin; minus strand). Cytogenetic location: Xp21.1.
Variant type: single nucleotide variant.
Coding change: c.7464G>A on transcript NM_004006.3 (MANE Select); coding-DNA position 7464, G replaced by A.
Protein change: p.Leu2488=; no amino-acid change (leucine 2488 retained).
Molecular consequence: synonymous variant.
Genome position (GRCh38, 1-based): chrX:31,774,038, C>T on the plus strand (G>A on the coding strand, the complement: DMD is on the minus strand). VCF-style: chrX-31774038-C-T. GRCh37 (hg19) VCF-style: chrX-31792155-C-T.
Other names: c.7095G>A, p.Leu2365= (NM_004010.3); c.3441G>A, p.Leu1147= (NM_004011.4); c.3432G>A, p.Leu1144= (NM_004012.4); c.84G>A, p.Leu28= (NM_004013.3, NM_004020.4, NM_004021.3 and 2 more transcripts); c.7440G>A, p.Leu2480= (NM_000109.4); c.7452G>A, p.Leu2484= (NM_004009.3).
Identifiers: ClinVar variation 667106 (VCV000667106.14), dbSNP rs1603464003, ClinGen allele CA515859330.
Genomic context (GRCh38, chrX:31,774,038, plus strand): 5'-CTCGTTGATATCCTCAAGGTCACCCACCATCACCCTCTGTGATTTTATAACTTGATCAAG[C>T]AGAGAAAGCCAGTCGGTAAGTTCTGTCCAAGCCCGGTTGAAATCTGCCAGAGCAGGTACC-3'
Protein context (NP_003997.2, residues 2478-2498): AWTELTDWLS[Leu2488=]LDQVIKSQRV